The following is an entry in ClinVar:

NM_001130823.3(DNMT1):c.368C>G (p.Ala123Gly)

Gene: DNMT1 (DNA methyltransferase 1; minus strand). Cytogenetic location: 19p13.2.
Variant type: single nucleotide variant.
Coding change: c.368C>G on transcript NM_001130823.3 (MANE Select); coding-DNA position 368, C replaced by G.
Protein change: p.Ala123Gly; replaces alanine 123 with glycine.
Molecular consequence: missense variant.
Genome position (GRCh38, 1-based): chr19:10,180,427, G>C on the plus strand (C>G on the coding strand, the complement: DNMT1 is on the minus strand). VCF-style: chr19-10180427-G-C. GRCh37 (hg19) VCF-style: chr19-10291103-G-C.
Other names: c.368C>G (LRG_362t1); c.368C>G, p.Ala123Gly (NM_001318730.2, NM_001379.4); c.5C>G, p.Ala2Gly (NM_001318731.2); short protein forms A123G, A2G.
Identifiers: ClinVar variation 426642 (VCV000426642.2), dbSNP rs1085307725, ClinGen allele CA403946273.

ClinVar aggregate classification (germline): Uncertain significance (1 of 4 stars; one submission).

Allele frequency attached by ClinVar (database versions not stated): gnomAD 0.00001; gnomAD exomes 0.00001; TOPMed 0.00001 and 0.00002.
gnomAD v4.1: 3 of 1,614,132 alleles (0.00019%); highest among the groups gnomAD compares: African/African-American, 0.004%; no homozygotes.

Submission:

GeneDx
Classification: Uncertain significance. Last evaluated: 2017-04-10. Review status: criteria provided, single submitter. Criteria: GeneDx Variant Classification (06012015). Collection method: clinical testing. Allele origin: germline. Affected: yes.
Comment: The A123G variant has not been published as a pathogenic variant, nor has it been reported as a benign variant to our knowledge. The A123G variant is not observed in large population cohorts (Lek et al., 2016; 1000 Genomes Consortium et al., 2015; Exome Variant Server). This variant is a conservative amino acid substitution, which is not likely to impact secondary protein structure as these residues share similar properties. This substitution occurs at a position that is not conserved. In silico analysis is inconsistent in its predictions as to whether or not the variant is damaging to the protein structure/function.